The following is an entry in ClinVar:

NM_003073.5(SMARCB1):c.278C>T (p.Ala93Val)

Gene: SMARCB1 (SWI/SNF related BAF chromatin remodeling complex subunit B1; plus strand). Cytogenetic location: 22q11.23.
Variant type: single nucleotide variant.
Coding change: c.278C>T on transcript NM_003073.5 (MANE Select); coding-DNA position 278, C replaced by T.
Protein change: p.Ala93Val; replaces alanine 93 with valine.
Molecular consequence: missense variant.
Genome position (GRCh38, 1-based): chr22:23,793,604, C>T. VCF-style: chr22-23793604-C-T. GRCh37 (hg19) VCF-style: chr22-24135791-C-T.
Other names: c.251C>T, p.Ala84Val (NM_001007468.3, NM_001317946.2); c.278C>T, p.Ala93Val (NM_001362877.2); short protein forms A84V, A93V.
Identifiers: ClinVar variation 1313749 (VCV001313749.7), dbSNP rs2145963921, ClinGen allele CA410933732.

ClinVar aggregate classification (germline): Uncertain significance. Review status: criteria provided, multiple submitters, no conflicts (2 of 4 stars). 2 submissions from 2 submitters: Uncertain significance (2). Last evaluated 2022-09-25.

Submissions (2):

Labcorp Genetics (formerly Invitae), Labcorp
Classification: Uncertain significance. Last evaluated: 2022-09-25. Review status: criteria provided, single submitter. Criteria: Invitae Variant Classification Sherloc (09022015). Collection method: clinical testing. Allele origin: germline.
Comment: This sequence change replaces alanine, which is neutral and non-polar, with valine, which is neutral and non-polar, at codon 93 of the SMARCB1 protein (p.Ala93Val). This variant is not present in population databases (gnomAD no frequency). This variant has not been reported in the literature in individuals affected with SMARCB1-related conditions. ClinVar contains an entry for this variant (Variation ID: 1313749). Advanced modeling of protein sequence and biophysical properties (such as structural, functional, and spatial information, amino acid conservation, physicochemical variation, residue mobility, and thermodynamic stability) performed at Invitae indicates that this missense variant is not expected to disrupt SMARCB1 protein function. In summary, the available evidence is currently insufficient to determine the role of this variant in disease. Therefore, it has been classified as a Variant of Uncertain Significance.

GeneDx
Classification: Uncertain significance. Last evaluated: 2021-07-02. Review status: criteria provided, single submitter. Criteria: GeneDx Variant Classification Process June 2021. Collection method: clinical testing. Allele origin: germline. Affected: yes.
Comment: Not observed in large population cohorts (Lek et al., 2016); In silico analysis supports that this missense variant has a deleterious effect on protein structure/function; Has not been previously published as pathogenic or benign to our knowledge; This variant is associated with the following publications: (PMID: 26073604)